The following is an entry in ClinVar:

ClinVar aggregate classification (germline): Uncertain significance. Review status: criteria provided, multiple submitters, no conflicts (2 of 4 stars). 3 submissions from 3 submitters: Uncertain significance (3). Last evaluated 2025-10-01.

Conditions:
Inborn genetic diseases. Identifiers: MedGen C0950123, MeSH D030342.

Allele frequency attached by ClinVar (database versions not stated): ExAC 0.00007; ESP Exome Variant Server 0.00008; gnomAD 0.00009; TOPMed 0.00011; gnomAD exomes 0.00019; 1000 Genomes Project 0.00020; 1000 Genomes Project 30x 0.00031.
gnomAD v4.1: 289 of 1,613,490 alleles (0.018%); highest among the groups gnomAD compares: Non-Finnish European, 0.023%; no homozygotes.

Submissions (3):

CeGaT Center for Human Genetics Tuebingen
Classification: Uncertain significance. Last evaluated: 2025-10-01. Review status: criteria provided, single submitter. Criteria: CeGaT Center For Human Genetics Tuebingen Variant Classification Criteria Version 2. Collection method: clinical testing. Allele origin: germline. Affected: yes. Observed: 1 variant allele.
Comment: TRAK1: PM2, BP4

Ambry Genetics
Classification: Uncertain significance for Inborn genetic diseases. Last evaluated: 2025-07-12. Review status: criteria provided, single submitter. Criteria: Ambry Variant Classification Scheme 2023. Collection method: clinical testing. Allele origin: germline.

Labcorp Genetics (formerly Invitae), Labcorp
Classification: Uncertain significance. Last evaluated: 2024-01-05. Review status: criteria provided, single submitter. Criteria: Invitae Variant Classification Sherloc (09022015). Collection method: clinical testing. Allele origin: germline.
Comment: This sequence change replaces glycine, which is neutral and non-polar, with arginine, which is basic and polar, at codon 18 of the TRAK1 protein (p.Gly18Arg). This variant is present in population databases (rs200776452, gnomAD 0.02%). This variant has not been reported in the literature in individuals affected with TRAK1-related conditions. ClinVar contains an entry for this variant (Variation ID: 2392037). Algorithms developed to predict the effect of missense changes on protein structure and function output the following: SIFT: "Not Available"; PolyPhen-2: "Benign"; Align-GVGD: "Not Available". The arginine amino acid residue is found in multiple mammalian species, which suggests that this missense change does not adversely affect protein function. In summary, the available evidence is currently insufficient to determine the role of this variant in disease. Therefore, it has been classified as a Variant of Uncertain Significance.

NM_001042646.3(TRAK1):c.52G>A (p.Gly18Arg)

Gene: TRAK1 (trafficking kinesin protein 1; plus strand). Cytogenetic location: 3p22.1.
Variant type: single nucleotide variant.
Coding change: c.52G>A on transcript NM_001042646.3 (MANE Select); coding-DNA position 52, G replaced by A.
Protein change: p.Gly18Arg; replaces glycine 18 with arginine.
Molecular consequence: missense variant. On other transcripts: intron variant (1).
Genome position (GRCh38, 1-based): chr3:42,091,521, G>A. VCF-style: chr3-42091521-G-A. GRCh37 (hg19) VCF-style: chr3-42133013-G-A.
Other names: c.52G>A, p.Gly18Arg (NM_001349247.2, NM_001265608.2, NM_001349246.2); c.-222+4121G>A (NM_001349245.1); short protein forms G18R.
Identifiers: ClinVar variation 2392037 (VCV002392037.11), dbSNP rs200776452, ClinGen allele CA2332898.